The following is an entry in ClinVar:

ClinVar aggregate classification (germline): Uncertain significance. Review status: criteria provided, multiple submitters, no conflicts (2 of 4 stars). 2 submissions from 2 submitters: Uncertain significance (2). Last evaluated 2025-06-16.

Allele frequency attached by ClinVar (database versions not stated): gnomAD exomes below 0.00001.
gnomAD v4.1: 7 of 1,614,242 alleles (0.00043%); highest among the groups gnomAD compares: Middle Eastern, 0.016%; no homozygotes.

Submissions (2):

Labcorp Genetics (formerly Invitae), Labcorp
Classification: Uncertain significance. Last evaluated: 2025-06-16. Review status: criteria provided, single submitter. Criteria: Invitae Variant Classification Sherloc (09022015). Collection method: clinical testing. Allele origin: germline.
Comment: This sequence change replaces isoleucine, which is neutral and non-polar, with valine, which is neutral and non-polar, at codon 707 of the IL12RB2 protein (p.Ile707Val). This variant is present in population databases (no rsID available, gnomAD 0.0009%). This variant has not been reported in the literature in individuals affected with IL12RB2-related conditions. ClinVar contains an entry for this variant (Variation ID: 2854309). An algorithm developed to predict the effect of missense changes on protein structure and function (PolyPhen-2) suggests that this variant is likely to be tolerated. In summary, the available evidence is currently insufficient to determine the role of this variant in disease. Therefore, it has been classified as a Variant of Uncertain Significance.

Ambry Genetics
Classification: Uncertain significance. Last evaluated: 2024-06-16. Review status: criteria provided, single submitter. Criteria: Ambry Variant Classification Scheme 2023. Collection method: clinical testing. Allele origin: germline.

NM_001374259.2(IL12RB2):c.2119A>G (p.Ile707Val)

Gene: IL12RB2 (interleukin 12 receptor subunit beta 2; plus strand). Cytogenetic location: 1p31.3.
Variant type: single nucleotide variant.
Coding change: c.2119A>G on transcript NM_001374259.2 (MANE Select); coding-DNA position 2119, A replaced by G.
Protein change: p.Ile707Val; replaces isoleucine 707 with valine.
Molecular consequence: missense variant. On other transcripts: 3 prime UTR variant (3), non-coding transcript variant (2).
Genome position (GRCh38, 1-based): chr1:67,395,619, A>G. VCF-style: chr1-67395619-A-G. GRCh37 (hg19) VCF-style: chr1-67861302-A-G.
Other names: c.2119A>G (NM_001559.2); c.*39A>G (NM_001258214.1, NM_001319233.1); c.1861A>G, p.Ile621Val (NM_001258215.1); c.*20A>G (NM_001258216.1); c.2119A>G, p.Ile707Val (NM_001559.3); short protein forms I707V, I621V.
Identifiers: ClinVar variation 2854309 (VCV002854309.4), dbSNP rs1336357602, ClinGen allele CA340734904.